The following is an entry in ClinVar:

ClinVar aggregate classification (germline): Likely pathogenic (1 of 4 stars; one submission).

Conditions:
Leukodystrophy, hypomyelinating, 7, with or without oligodontia and/or hypogonadotropic hypogonadism (HLD7). Also called: LEUKOENCEPHALOPATHY, HYPOMYELINATING, WITH ATAXIA AND DELAYED DENTITION; ATAXIA, DELAYED DENTITION, AND HYPOMYELINATION; LEUKODYSTROPHY, HYPOMYELINATING, 7, WITH OLIGODONTIA; LEUKODYSTROPHY, HYPOMYELINATING, 7, WITH OLIGODONTIA AND HYPOGONADOTROPIC HYPOGONADISM; LEUKODYSTROPHY, HYPOMYELINATING, 7, WITHOUT OLIGODONTIA OR HYPOGONADOTROPIC HYPOGONADISM; Ataxia, Delayed Dentition and Hypomyelination (ADDH). Identifiers: Orphanet 137639, Orphanet 447893, Orphanet 447896, Orphanet 77295, Orphanet 88637, MedGen CN034185, MONDO:0011897, OMIM 607694.

gnomAD v4.1: 1 of 1,613,624 alleles (0.000062%); highest among the groups gnomAD compares: East Asian, 0.0022%; no homozygotes.

Submission:

Institute of Human Genetics, University of Leipzig Medical Center
Classification: Likely pathogenic for Leukodystrophy, hypomyelinating, 7, with or without oligodontia and/or hypogonadotropic hypogonadism. Last evaluated: 2024-12-19. Review status: criteria provided, single submitter. Criteria: ACMG Guidelines, 2015. Collection method: clinical testing. Allele origin: unknown. Inheritance: Autosomal recessive inheritance. Affected: yes.
Comment: Criteria applied: PM2,PM3,PP2,PP3; compound heterozygous with c.1909+22G>A

NM_007055.4(POLR3A):c.1943G>A (p.Gly648Asp)

Gene: POLR3A (RNA polymerase III subunit A; minus strand). Cytogenetic location: 10q22.3.
Variant type: single nucleotide variant.
Coding change: c.1943G>A on transcript NM_007055.4 (MANE Select); coding-DNA position 1943, G replaced by A.
Protein change: p.Gly648Asp; replaces glycine 648 with aspartic acid.
Molecular consequence: missense variant.
Genome position (GRCh38, 1-based): chr10:78,007,833, C>T on the plus strand (G>A on the coding strand, the complement: POLR3A is on the minus strand). VCF-style: chr10-78007833-C-T. GRCh37 (hg19) VCF-style: chr10-79767591-C-T.
Other names: short protein forms G648D.
Identifiers: ClinVar variation 3572910 (VCV003572910.2).